The following is an entry in ClinVar:

NM_014679.5(CEP57):c.358A>G (p.Asn120Asp)

Gene: CEP57 (centrosomal protein 57; plus strand). Cytogenetic location: 11q21.
Variant type: single nucleotide variant.
Coding change: c.358A>G on transcript NM_014679.5 (MANE Select); coding-DNA position 358, A replaced by G.
Protein change: p.Asn120Asp; replaces asparagine 120 with aspartic acid.
Molecular consequence: missense variant.
Genome position (GRCh38, 1-based): chr11:95,813,087, A>G. VCF-style: chr11-95813087-A-G. GRCh37 (hg19) VCF-style: chr11-95546251-A-G.
Other names: c.358A>G (NM_014679.4); c.331A>G, p.Asn111Asp (NM_001243776.2); c.358A>G, p.Asn120Asp (NM_001243777.2); c.277A>G, p.Asn93Asp (NM_001363604.2); short protein forms N120D, N93D, N111D.
Identifiers: ClinVar variation 1377338 (VCV001377338.9), dbSNP rs201590491, ClinGen allele CA226628847.

ClinVar aggregate classification (germline): Uncertain significance. Review status: criteria provided, multiple submitters, no conflicts (2 of 4 stars). 2 submissions from 2 submitters: Uncertain significance (2). Last evaluated 2024-12-10.

Conditions:
Mosaic variegated aneuploidy syndrome 2 (MVA2). Identifiers: Orphanet 1052, MedGen C3279843, MONDO:0013582, OMIM 614114.
Inborn genetic diseases. Identifiers: MedGen C0950123, MeSH D030342.

Allele frequency attached by ClinVar (database versions not stated): gnomAD exomes below 0.00001 and 0.00001; TOPMed below 0.00001; gnomAD 0.00001.
gnomAD v4.1: 11 of 1,612,934 alleles (0.00068%); highest among the groups gnomAD compares: African/African-American, 0.0013%; no homozygotes.

Submissions (2):

Ambry Genetics
Classification: Uncertain significance for Inborn genetic diseases. Last evaluated: 2024-12-10. Review status: criteria provided, single submitter. Criteria: Ambry Variant Classification Scheme 2023. Collection method: clinical testing. Allele origin: germline.
Comment: The p.N120D variant (also known as c.358A>G), located in coding exon 3 of the CEP57 gene, results from an A to G substitution at nucleotide position 358. The asparagine at codon 120 is replaced by aspartic acid, an amino acid with highly similar properties. This amino acid position is conserved. In addition, this alteration is predicted to be tolerated by in silico analysis. Based on the available evidence, the clinical significance of this variant remains unclear.

Labcorp Genetics (formerly Invitae), Labcorp
Classification: Uncertain significance for Mosaic variegated aneuploidy syndrome 2. Last evaluated: 2024-11-24. Review status: criteria provided, single submitter. Criteria: Invitae Variant Classification Sherloc (09022015). Collection method: clinical testing. Allele origin: germline.
Comment: This sequence change replaces asparagine, which is neutral and polar, with aspartic acid, which is acidic and polar, at codon 120 of the CEP57 protein (p.Asn120Asp). This variant is present in population databases (rs201590491, gnomAD 0.0009%). This variant has not been reported in the literature in individuals affected with CEP57-related conditions. ClinVar contains an entry for this variant (Variation ID: 1377338). Invitae Evidence Modeling of protein sequence and biophysical properties (such as structural, functional, and spatial information, amino acid conservation, physicochemical variation, residue mobility, and thermodynamic stability) indicates that this missense variant is not expected to disrupt CEP57 protein function with a negative predictive value of 80%. In summary, the available evidence is currently insufficient to determine the role of this variant in disease. Therefore, it has been classified as a Variant of Uncertain Significance.